The following is an entry in ClinVar:

NM_001164508.2(NEB):c.15728A>G (p.Asp5243Gly)

Gene: NEB (nebulin; minus strand). Cytogenetic location: 2q23.3.
Variant type: single nucleotide variant.
Coding change: c.15728A>G on transcript NM_001164508.2 (MANE Select); coding-DNA position 15728, A replaced by G.
Protein change: p.Asp5243Gly; replaces aspartic acid 5243 with glycine.
Molecular consequence: missense variant. On other transcripts: intron variant (1).
Genome position (GRCh38, 1-based): chr2:151,583,702, T>C on the plus strand (A>G on the coding strand, the complement: NEB is on the minus strand). VCF-style: chr2-151583702-T-C. GRCh37 (hg19) VCF-style: chr2-152440216-T-C.
Other names: c.15728A>G, p.Asp5243Gly (NM_001164507.2, NM_001271208.2); c.11602-7348A>G (NM_004543.5); short protein forms D5243G.
Identifiers: ClinVar variation 513144 (VCV000513144.1), dbSNP rs1553846139, ClinGen allele CA348757601.

ClinVar aggregate classification (germline): Likely benign (1 of 4 stars; one submission).

Submission:

GeneDx
Classification: Likely benign. Last evaluated: 2017-11-07. Review status: criteria provided, single submitter. Criteria: GeneDx Variant Classification (06012015). Collection method: clinical testing. Allele origin: germline. Affected: yes.
Comment: This variant is considered likely benign or benign based on one or more of the following criteria: it is a conservative change, it occurs at a poorly conserved position in the protein, it is predicted to be benign by multiple in silico algorithms, and/or has population frequency not consistent with disease.